The following is an entry in ClinVar:

ClinVar aggregate classification (germline): Uncertain significance (1 of 4 stars; one submission).

Conditions:
Multiple gastrointestinal atresias. Also called: FAMILIAL INTESTINAL POLYATRESIA SYNDROME; Multiple intestinal atresia. Identifiers: Orphanet 2300, MedGen C0220744, MONDO:0009465.

Allele frequency attached by ClinVar (database versions not stated): gnomAD exomes below 0.00001.
gnomAD v4.1: 6 of 1,614,008 alleles (0.00037%); highest among the groups gnomAD compares: Non-Finnish European, 0.00051%; no homozygotes.

Submission:

Labcorp Genetics (formerly Invitae), Labcorp
Classification: Uncertain significance for Multiple gastrointestinal atresias. Last evaluated: 2022-07-14. Review status: criteria provided, single submitter. Criteria: Invitae Variant Classification Sherloc (09022015). Collection method: clinical testing. Allele origin: germline.
Comment: In summary, the available evidence is currently insufficient to determine the role of this variant in disease. Therefore, it has been classified as a Variant of Uncertain Significance. Algorithms developed to predict the effect of missense changes on protein structure and function are either unavailable or do not agree on the potential impact of this missense change (SIFT: "Deleterious"; PolyPhen-2: "Probably Damaging"; Align-GVGD: "Class C0"). This variant has not been reported in the literature in individuals affected with TTC7A-related conditions. This variant is not present in population databases (gnomAD no frequency). This sequence change replaces glutamic acid, which is acidic and polar, with glycine, which is neutral and non-polar, at codon 195 of the TTC7A protein (p.Glu195Gly).

NM_020458.4(TTC7A):c.584A>G (p.Glu195Gly)

Genes: TTC7A (tetratricopeptide repeat domain 7A; plus strand), LOC126806211 (CDK7 strongly-dependent group 2 enhancer GRCh37_chr2:47201305-47202504; plus strand). Cytogenetic location: 2p21.
Variant type: single nucleotide variant.
Coding change: c.584A>G on transcript NM_020458.4 (MANE Select); coding-DNA position 584, A replaced by G.
Protein change: p.Glu195Gly; replaces glutamic acid 195 with glycine.
Molecular consequence: missense variant. On other transcripts: 5 prime UTR variant (1).
Genome position (GRCh38, 1-based): chr2:46,975,039, A>G. VCF-style: chr2-46975039-A-G. GRCh37 (hg19) VCF-style: chr2-47202178-A-G.
Other names: c.584A>G, p.Glu195Gly (NM_001288951.2); c.482A>G, p.Glu161Gly (NM_001288953.2); c.-321A>G (NM_001288955.2); short protein forms E195G, E161G.
Identifiers: ClinVar variation 1949534 (VCV001949534.4), dbSNP rs2466472132, ClinGen allele CA346723088.